The following is an entry in ClinVar:

ClinVar aggregate classification (germline): Uncertain significance. Review status: criteria provided, multiple submitters, no conflicts (2 of 4 stars). 2 submissions from 2 submitters: Uncertain significance (2). Last evaluated 2024-05-25.

Conditions:
Cardiovascular phenotype. Identifiers: MedGen CN230736.
Dilated cardiomyopathy 1KK (CMD1KK). Identifiers: Orphanet 154, Orphanet 75249, MedGen C3714995, MONDO:0014100, OMIM 615248.

Allele frequency attached by ClinVar (database versions not stated): TOPMed 0.00001.

Submissions (2):

Ambry Genetics
Classification: Uncertain significance for Cardiovascular phenotype. Last evaluated: 2024-05-25. Review status: criteria provided, single submitter. Criteria: Ambry Variant Classification Scheme 2023. Collection method: clinical testing. Allele origin: germline.
Comment: The p.E74D variant (also known as c.222A>C), located in coding exon 1 of the MYPN gene, results from an A to C substitution at nucleotide position 222. The glutamic acid at codon 74 is replaced by aspartic acid, an amino acid with highly similar properties. This amino acid position is conserved. In addition, this alteration is predicted to be tolerated by in silico analysis. Based on the available evidence, the clinical significance of this variant remains unclear.

Labcorp Genetics (formerly Invitae), Labcorp
Classification: Uncertain significance for Dilated cardiomyopathy 1KK. Last evaluated: 2020-06-21. Review status: criteria provided, single submitter. Criteria: Invitae Variant Classification Sherloc (09022015). Collection method: clinical testing. Allele origin: germline.
Comment: In summary, the available evidence is currently insufficient to determine the role of this variant in disease. Therefore, it has been classified as a Variant of Uncertain Significance. Algorithms developed to predict the effect of missense changes on protein structure and function (SIFT, PolyPhen-2, Align-GVGD) all suggest that this variant is likely to be tolerated, but these predictions have not been confirmed by published functional studies and their clinical significance is uncertain. This variant has not been reported in the literature in individuals with MYPN-related conditions. This variant is not present in population databases (ExAC no frequency). This sequence change replaces glutamic acid with aspartic acid at codon 74 of the MYPN protein (p.Glu74Asp). The glutamic acid residue is moderately conserved and there is a small physicochemical difference between glutamic acid and aspartic acid.

NM_032578.4(MYPN):c.222A>C (p.Glu74Asp)

Gene: MYPN (myopalladin; plus strand). Cytogenetic location: 10q21.3.
Variant type: single nucleotide variant.
Coding change: c.222A>C on transcript NM_032578.4 (MANE Select); coding-DNA position 222, A replaced by C.
Protein change: p.Glu74Asp; replaces glutamic acid 74 with aspartic acid.
Molecular consequence: missense variant. On other transcripts: 5 prime UTR variant (1), non-coding transcript variant (1).
Genome position (GRCh38, 1-based): chr10:68,121,660, A>C. VCF-style: chr10-68121660-A-C. GRCh37 (hg19) VCF-style: chr10-69881417-A-C.
Other names: c.222A>C (NM_032578.2); c.222A>C, p.Glu74Asp (NM_001256267.2); c.-901A>C (NM_001256268.2); short protein forms E74D.
Identifiers: ClinVar variation 1051621 (VCV001051621.10), dbSNP rs2042244450, ClinGen allele CA377103867.
Genomic context (GRCh38, chr10:68,121,660, plus strand): 5'-CGGAGGCCAAGATGACCTTCCAGATCTTTCAGCCTTTCTGAGCCAAGAAGAATTAGACGA[A>C]AGTGTCAATTTGGCAAGACTGGCCATCAATTACGACCCTTTGGAGAAGGCAGATGAAACT-3'
Protein context (NP_115967.2, residues 64-84): SAFLSQEELD[Glu74Asp]SVNLARLAIN